The following is an entry in ClinVar:

NM_006944.3(SPP2):c.218T>G (p.Val73Gly)

Gene: SPP2 (secreted phosphoprotein 2; plus strand). Cytogenetic location: 2q37.1.
Variant type: single nucleotide variant.
Coding change: c.218T>G on transcript NM_006944.3 (MANE Select); coding-DNA position 218, T replaced by G.
Protein change: p.Val73Gly; replaces valine 73 with glycine.
Molecular consequence: missense variant.
Genome position (GRCh38, 1-based): chr2:234,058,843, T>G. VCF-style: chr2-234058843-T-G. GRCh37 (hg19) VCF-style: chr2-234967487-T-G.
Other names: short protein forms V73G.
Identifiers: ClinVar variation 3654412 (VCV003654412.2).
Genomic context (GRCh38, chr2:234,058,843, plus strand): 5'-TCATAAACTTCAGAAATGCATTGATCACACTCTGAAACTTTATTTTTGTGAAGGTTGAGG[T>G]CCTAGATGAGAACAACTTGGTCATGAATTTAGAGTTCAGCATCCGGGAGACTACATGCAG-3'
Protein context (NP_008875.1, residues 63-83): AFRSSLKRVE[Val73Gly]LDENNLVMNL

ClinVar aggregate classification (germline): Uncertain significance (1 of 4 stars; one submission).

Submission:

Labcorp Genetics (formerly Invitae), Labcorp
Classification: Uncertain significance. Last evaluated: 2024-05-23. Review status: criteria provided, single submitter. Criteria: Invitae Variant Classification Sherloc (09022015). Collection method: clinical testing. Allele origin: germline.
Comment: This sequence change replaces valine, which is neutral and non-polar, with glycine, which is neutral and non-polar, at codon 73 of the SPP2 protein (p.Val73Gly). This variant is not present in population databases (gnomAD no frequency). This variant has not been reported in the literature in individuals affected with SPP2-related conditions. An algorithm developed to predict the effect of missense changes on protein structure and function (PolyPhen-2) suggests that this variant is likely to be disruptive. In summary, the available evidence is currently insufficient to determine the role of this variant in disease. Therefore, it has been classified as a Variant of Uncertain Significance.